The following is an entry in ClinVar:

NM_001351169.2(NT5C2):c.761A>G (p.Lys254Arg)

Gene: NT5C2 (5'-nucleotidase, cytosolic II; minus strand). Cytogenetic location: 10q24.32.
Variant type: single nucleotide variant.
Coding change: c.761A>G on transcript NM_001351169.2 (MANE Select); coding-DNA position 761, A replaced by G.
Protein change: p.Lys254Arg; replaces lysine 254 with arginine.
Molecular consequence: missense variant.
Genome position (GRCh38, 1-based): chr10:103,097,301, T>C on the plus strand (A>G on the coding strand, the complement: NT5C2 is on the minus strand). VCF-style: chr10-103097301-T-C. GRCh37 (hg19) VCF-style: chr10-104857058-T-C.
Other names: c.761A>G, p.Lys254Arg (NM_001134373.3, NM_012229.5); c.785A>G, p.Lys262Arg (NM_001351170.2, NM_001351171.2, NM_001351172.2 and 1 more transcripts); c.674A>G, p.Lys225Arg (NM_001351174.1); c.668A>G, p.Lys223Arg (NM_001351175.2); c.188A>G, p.Lys63Arg (NM_001351176.2, NM_001351177.2, NM_001351178.2 and 16 more transcripts); c.47A>G, p.Lys16Arg (NM_001351194.2, NM_001351195.2, NM_001351196.2); short protein forms K225R, K262R, K63R, K223R, K254R, K16R.
Identifiers: ClinVar variation 2016022 (VCV002016022.4), dbSNP rs2494364869, ClinGen allele CA377974761.

ClinVar aggregate classification (germline): Uncertain significance (1 of 4 stars; one submission).

Conditions:
Hereditary spastic paraplegia 45. Also called: Spastic paraplegia 45, autosomal recessive; SPASTIC PARAPLEGIA 45. Identifiers: Orphanet 320396, MedGen C3888209, MONDO:0013165, OMIM 613162.

Submission:

Labcorp Genetics (formerly Invitae), Labcorp
Classification: Uncertain significance for Hereditary spastic paraplegia 45. Last evaluated: 2024-10-23. Review status: criteria provided, single submitter. Criteria: Invitae Variant Classification Sherloc (09022015). Collection method: clinical testing. Allele origin: germline.
Comment: This sequence change replaces lysine, which is basic and polar, with arginine, which is basic and polar, at codon 254 of the NT5C2 protein (p.Lys254Arg). This variant is not present in population databases (gnomAD no frequency). This variant has not been reported in the literature in individuals affected with NT5C2-related conditions. ClinVar contains an entry for this variant (Variation ID: 2016022). An algorithm developed to predict the effect of missense changes on protein structure and function (PolyPhen-2) suggests that this variant is likely to be tolerated. In summary, the available evidence is currently insufficient to determine the role of this variant in disease. Therefore, it has been classified as a Variant of Uncertain Significance.